The following is an entry in ClinVar:

ClinVar aggregate classification (germline): Uncertain significance (1 of 4 stars; one submission).

Submission:

GeneDx
Classification: Uncertain significance. Last evaluated: 2024-02-18. Review status: criteria provided, single submitter. Criteria: GeneDx Variant Classification Process June 2021. Collection method: clinical testing. Allele origin: germline. Affected: yes.
Comment: Not observed at significant frequency in large population cohorts (gnomAD); In silico analysis supports that this missense variant has a deleterious effect on protein structure/function; Has not been previously published as pathogenic or benign to our knowledge

NM_001042750.2(STAG2):c.1394T>C (p.Val465Ala)

Gene: STAG2 (STAG2 cohesin complex component; plus strand). Cytogenetic location: Xq25.
Variant type: single nucleotide variant.
Coding change: c.1394T>C on transcript NM_001042750.2 (MANE Select); coding-DNA position 1394, T replaced by C.
Protein change: p.Val465Ala; replaces valine 465 with alanine.
Molecular consequence: missense variant.
Genome position (GRCh38, 1-based): chrX:124,057,955, T>C. VCF-style: chrX-124057955-T-C. GRCh37 (hg19) VCF-style: chrX-123191805-T-C.
Other names: c.1394T>C, p.Val465Ala (NM_001042749.2, NM_001042751.2, NM_001282418.2 and 13 more transcripts); short protein forms V465A.
Identifiers: ClinVar variation 3369328 (VCV003369328.1).